The following is an entry in ClinVar:

NM_000051.4(ATM):c.9096G>C (p.Val3032=)

Genes: C11orf65 (chromosome 11 open reading frame 65; minus strand), ATM (ATM serine/threonine kinase; plus strand). Cytogenetic location: 11q22.3.
Variant type: single nucleotide variant.
Coding change: c.9096G>C on transcript NM_000051.4 (MANE Select); coding-DNA position 9096, G replaced by C.
Protein change: p.Val3032=; no amino-acid change (valine 3032 retained).
Molecular consequence: synonymous variant. On other transcripts: intron variant (2).
Genome position (GRCh38, 1-based): chr11:108,365,433, G>C. VCF-style: chr11-108365433-G-C. GRCh37 (hg19) VCF-style: chr11-108236160-G-C.
Other names: c.9096G>C, p.Val3032= (NM_001351834.2); c.640+20487C>G (NM_001330368.2); c.694+20487C>G (NM_001351110.2).
Identifiers: ClinVar variation 2725919 (VCV002725919.5), dbSNP rs1565609478, ClinGen allele CA476745240.

ClinVar aggregate classification (germline): Benign/Likely benign. Review status: criteria provided, multiple submitters, no conflicts (2 of 4 stars). 3 submissions from 3 submitters: Benign (1); Likely benign (2). Last evaluated 2024-10-18.

Conditions:
Familial cancer of breast. Also called: BREAST CANCER, FAMILIAL; Hereditary breast cancer; hereditary breast carcinoma. Identifiers: Orphanet 227535, MedGen C0346153, MONDO:0016419, OMIM 114480. Disease mechanism: loss of function.
Hereditary cancer-predisposing syndrome. Also called: Tumor predisposition; Neoplastic Syndromes, Hereditary; Hereditary Cancer Syndrome; Hereditary neoplastic syndrome. Identifiers: Orphanet 140162, MedGen C0027672, MeSH D009386, MONDO:0015356.
Ataxia-telangiectasia syndrome (AT). Also called: LOUIS-BAR SYNDROME; Cerebello-oculocutaneous telangiectasia; Immunodeficiency with ataxia telangiectasia; Ataxia telangiectasia (A-T); Ataxia-telangiectasia, complementation group D; AT, COMPLEMENTATION GROUP C. Identifiers: Orphanet 100, MedGen C0004135, MONDO:0008840, OMIM 208900.

Allele frequency attached by ClinVar (database versions not stated): gnomAD exomes below 0.00001.
gnomAD v4.1: 1 of 1,614,152 alleles (0.000062%); highest among the groups gnomAD compares: African/African-American, 0.0013%; no homozygotes.

Submissions (3):

Ambry Genetics
Classification: Likely benign for Hereditary cancer-predisposing syndrome. Last evaluated: 2024-10-18. Review status: criteria provided, single submitter. Criteria: Ambry Variant Classification Scheme 2023. Collection method: clinical testing. Allele origin: germline.

Myriad Genetics, Inc.
Classification: Benign for Familial cancer of breast. Last evaluated: 2024-06-24. Review status: criteria provided, single submitter. Criteria: Myriad Autosomal Dominant, Autosomal Recessive and X-Linked Classification Criteria (2023). Collection method: clinical testing. Allele origin: unknown.
Comment: This variant is considered benign. This variant is a silent/synonymous amino acid change and it is not expected to impact splicing.

Labcorp Genetics (formerly Invitae), Labcorp
Classification: Likely benign for Ataxia-telangiectasia syndrome. Last evaluated: 2023-05-26. Review status: criteria provided, single submitter. Criteria: Invitae Variant Classification Sherloc (09022015). Collection method: clinical testing. Allele origin: germline.